The following is an entry in ClinVar:

NM_016390.4(SPOUT1):c.666G>A (p.Glu222=)

Genes: KYAT1-SPOUT1 (KYAT1-SPOUT1 readthrough; minus strand), SPOUT1 (SPOUT domain containing methyltransferase 1; minus strand). Cytogenetic location: 9q34.11.
Variant type: single nucleotide variant.
Coding change: c.666G>A on transcript NM_016390.4 (MANE Select); coding-DNA position 666, G replaced by A.
Protein change: p.Glu222=; no amino-acid change (glutamic acid 222 retained).
Molecular consequence: synonymous variant. On other transcripts: non-coding transcript variant (2).
Genome position (GRCh38, 1-based): chr9:128,825,023, C>T on the plus strand (G>A on the coding strand, the complement: SPOUT1 is on the minus strand). VCF-style: chr9-128825023-C-T. GRCh37 (hg19) VCF-style: chr9-131587302-C-T.
Other names: c.2013G>A, p.Glu671= (NM_001414398.1).
Identifiers: ClinVar variation 5039136 (VCV005039136.1).

ClinVar aggregate classification (germline): Likely benign (1 of 4 stars; one submission).

gnomAD v4.1: 228 of 1,577,884 alleles (0.014%); highest among the groups gnomAD compares: Middle Eastern, 0.21%; no homozygotes.

Submission:

CeGaT Center for Human Genetics Tuebingen
Classification: Likely benign. Last evaluated: 2026-07-01. Review status: criteria provided, single submitter. Criteria: CeGaT Center For Human Genetics Tuebingen Variant Classification Criteria Version 2. Collection method: clinical testing. Allele origin: germline. Affected: yes. Observed: 1 variant allele.
Comment: SPOUT1: BP4, BP7